The following is an entry in ClinVar:

NM_001723.7(DST):c.6848A>G (p.His2283Arg)

Gene: DST (dystonin; minus strand). Cytogenetic location: 6p12.1.
Variant type: single nucleotide variant.
Coding change: c.6848A>G on transcript NM_001723.7 (MANE Plus Clinical); coding-DNA position 6848, A replaced by G.
Protein change: p.His2283Arg; replaces histidine 2283 with arginine.
Molecular consequence: missense variant. On other transcripts: intron variant (10).
Genome position (GRCh38, 1-based): chr6:56,616,619, T>C on the plus strand (A>G on the coding strand, the complement: DST is on the minus strand). VCF-style: chr6-56616619-T-C. GRCh37 (hg19) VCF-style: chr6-56481417-T-C.
Other names: c.4831-2135A>G (NM_001144769.5); c.4417-2135A>G (NM_001144770.2); c.4297-2135A>G (NM_001374730.1, NM_001386100.1, NM_183380.4 and 1 more transcripts); c.4930-2135A>G (NM_001374722.1, NM_001374736.1); c.4957-2135A>G (NM_001374734.1); c.3319-2135A>G (NM_015548.5); short protein forms H2283R.
Identifiers: ClinVar variation 1063727 (VCV001063727.9), dbSNP rs1308877176, ClinGen allele CA364564265.
Genomic context (GRCh38, chr6:56,616,619, plus strand): 5'-TAATACAGAGCTTGCTTGTTATTGGGATTAGGGAAAACTCTTGTGTTGCTGGATGGCTCA[T>C]GTAAAAACTGTAAGATGGCATTATTCAACAACCCCTGCTGCAGAGCAATTTCTGGAGGAA-3'
Protein context (NP_001714.1, residues 2273-2293): LLNNAILQFL[His2283Arg]EPSSNTRVFP

ClinVar aggregate classification (germline): Uncertain significance (1 of 4 stars; one submission).

Conditions:
Hereditary sensory and autonomic neuropathy type 6. Also called: HSAN VI; Neuropathy, hereditary sensory and autonomic, type VI. Identifiers: Orphanet 314381, MedGen C3539003, MONDO:0013839, OMIM 614653.
Epidermolysis bullosa simplex 3, localized or generalized intermediate, with BP230 deficiency (EBS3). Also called: Epidermolysis bullosa simplex due to BP230 deficiency; Epidermolysis bullosa simplex, autosomal recessive 2. Identifiers: Orphanet 412181, MedGen C3809470, MONDO:0014180, OMIM 615425.

Allele frequency attached by ClinVar (database versions not stated): gnomAD exomes below 0.00001; TOPMed 0.00001.
gnomAD v4.1: 2 of 1,614,172 alleles (0.00012%); highest among the groups gnomAD compares: Non-Finnish European, 0.000085%; no homozygotes.

Submission:

Labcorp Genetics (formerly Invitae), Labcorp
Classification: Uncertain significance for Epidermolysis bullosa simplex 3, localized or generalized intermediate, with BP230 deficiency; Hereditary sensory and autonomic neuropathy type 6. Last evaluated: 2024-03-07. Review status: criteria provided, single submitter. Criteria: Invitae Variant Classification Sherloc (09022015). Collection method: clinical testing. Allele origin: germline.
Comment: This sequence change replaces histidine, which is basic and polar, with arginine, which is basic and polar, at codon 2283 of the DST protein (p.His2283Arg). This variant is not present in population databases (gnomAD no frequency). This variant has not been reported in the literature in individuals affected with DST-related conditions. ClinVar contains an entry for this variant (Variation ID: 1063727). An algorithm developed to predict the effect of missense changes on protein structure and function (PolyPhen-2) suggests that this variant is likely to be disruptive. In summary, the available evidence is currently insufficient to determine the role of this variant in disease. Therefore, it has been classified as a Variant of Uncertain Significance.